The following is an entry in ClinVar:

ClinVar aggregate classification (germline): Uncertain significance (1 of 4 stars; one submission).

gnomAD v4.1: 3 of 1,614,038 alleles (0.00019%); highest among the groups gnomAD compares: Non-Finnish European, 0.00017%; no homozygotes.

Submission:

Labcorp Genetics (formerly Invitae), Labcorp
Classification: Uncertain significance. Last evaluated: 2023-11-27. Review status: criteria provided, single submitter. Criteria: Invitae Variant Classification Sherloc (09022015). Collection method: clinical testing. Allele origin: germline.
Comment: This sequence change replaces glutamine, which is neutral and polar, with lysine, which is basic and polar, at codon 537 of the CCDC8 protein (p.Gln537Lys). This variant is not present in population databases (gnomAD no frequency). This variant has not been reported in the literature in individuals affected with CCDC8-related conditions. ClinVar contains an entry for this variant (Variation ID: 1485526). Experimental studies and prediction algorithms are not available or were not evaluated, and the functional significance of this variant is currently unknown. In summary, the available evidence is currently insufficient to determine the role of this variant in disease. Therefore, it has been classified as a Variant of Uncertain Significance.

NM_032040.5(CCDC8):c.1609C>A (p.Gln537Lys)

Gene: CCDC8 (coiled-coil domain containing 8 subunit of 3M complex; minus strand). Cytogenetic location: 19q13.32.
Variant type: single nucleotide variant.
Coding change: c.1609C>A on transcript NM_032040.5 (MANE Select); coding-DNA position 1609, C replaced by A.
Protein change: p.Gln537Lys; replaces glutamine 537 with lysine.
Molecular consequence: missense variant.
Genome position (GRCh38, 1-based): chr19:46,411,202, G>T on the plus strand (C>A on the coding strand, the complement: CCDC8 is on the minus strand). VCF-style: chr19-46411202-G-T. GRCh37 (hg19) VCF-style: chr19-46914459-G-T.
Other names: short protein forms Q537K.
Identifiers: ClinVar variation 1485526 (VCV001485526.6), dbSNP rs144181069, ClinGen allele CA406458603.